The following is an entry in ClinVar:

ClinVar aggregate classification (germline): Pathogenic (1 of 4 stars; one submission).

Conditions:
Cystic fibrosis (CF). Also called: MUCOVISCIDOSIS. Identifiers: Orphanet 586, MedGen C0010674, MONDO:0009061, OMIM 219700. Disease mechanism: loss of function.

Submission:

Women's Health and Genetics/Laboratory Corporation of America, LabCorp
Classification: Pathogenic for Cystic fibrosis. Last evaluated: 2024-10-14. Review status: criteria provided, single submitter. Criteria: LabCorp Variant Classification Summary - May 2015. Collection method: clinical testing. Allele origin: germline.
Comment: Variant summary: CFTR c.1344_1345delinsTT (p.Glu449X) results in a premature termination codon, predicted to cause a truncation of the encoded protein or absence of the protein due to nonsense mediated decay, which are commonly known mechanisms for disease. The variant was absent in 1612500 control chromosomes. To our knowledge, no occurrence of c.1344_1345delinsTT in individuals affected with Cystic Fibrosis and no experimental evidence demonstrating its impact on protein function have been reported. No submitters have cited clinical-significance assessments for this variant to ClinVar. Based on the evidence outlined above, the variant was classified as pathogenic.

NM_000492.4(CFTR):c.1344_1345delinsTT (p.Glu449Ter)

Genes: CFTR (CF transmembrane conductance regulator; plus strand), CFTR-AS1 (CFTR antisense RNA 1; minus strand). Cytogenetic location: 7q31.2.
Variant type: Indel.
Coding change: c.1344_1345delinsTT on transcript NM_000492.4 (MANE Select); coding-DNA positions 1344 to 1345, AG replaced by TT.
Protein change: p.Glu449Ter; replaces glutamic acid 449 with a stop codon.
Molecular consequence: nonsense.
Genome position (GRCh38, 1-based): chr7:117,548,775-117,548,776, AG replaced by TT. VCF-style: chr7-117548775-AG-TT. GRCh37 (hg19) VCF-style: chr7-117188829-AG-TT.
Other names: short protein forms E449*.
Identifiers: ClinVar variation 3384693 (VCV003384693.1).